The following is an entry in ClinVar:

NM_018026.4(PACS1):c.1448_1456del (p.Met483_Ser485del)

Gene: PACS1 (phosphofurin acidic cluster sorting protein 1; plus strand). Cytogenetic location: 11q13.2.
Variant type: Deletion.
Coding change: c.1448_1456del on transcript NM_018026.4 (MANE Select); coding-DNA positions 1448 to 1456, 9 bases deleted (TGAAGTCCA; older notation c.1448_1456delTGAAGTCCA).
Protein change: p.Met483_Ser485del.
Molecular consequence: inframe deletion.
Genome position (GRCh38, 1-based): chr11:66,230,621-66,230,629, TGAAGTCCA deleted; deleting any 9 consecutive bases within chr11:66,230,618-66,230,629 gives the same sequence; the c. name uses the placement nearest the transcript's 3' end. VCF-style (leftmost placement, unchanged base first): chr11-66230617-CCCATGAAGT-C. GRCh37 (hg19) VCF-style: chr11-65998088-CCCATGAAGT-C.
Identifiers: ClinVar variation 1976770 (VCV001976770.5), dbSNP rs769635451, ClinGen allele CA6116572.

ClinVar aggregate classification (germline): Uncertain significance (1 of 4 stars; one submission).

Conditions:
Schuurs-Hoeijmakers syndrome. Also called: PACS1-Related Neurodevelopmental Disorder. Identifiers: Orphanet 329224, MedGen C3554343, MONDO:0014006, OMIM 615009.

Submission:

Labcorp Genetics (formerly Invitae), Labcorp
Classification: Uncertain significance for Schuurs-Hoeijmakers syndrome. Last evaluated: 2025-12-21. Review status: criteria provided, single submitter. Criteria: Invitae Variant Classification Sherloc (09022015). Collection method: clinical testing. Allele origin: germline.
Comment: This variant, c.1448_1456del, results in the deletion of 3 amino acid(s) of the PACS1 protein (p.Met483_Ser485del), but otherwise preserves the integrity of the reading frame. This variant is present in population databases (rs769635451, gnomAD 0.003%). This variant has not been reported in the literature in individuals affected with PACS1-related conditions. ClinVar contains an entry for this variant (Variation ID: 1976770). Experimental studies and prediction algorithms are not available or were not evaluated, and the functional significance of this variant is currently unknown. In summary, the available evidence is currently insufficient to determine the role of this variant in disease. Therefore, it has been classified as a Variant of Uncertain Significance.